The following is an entry in ClinVar:

ClinVar aggregate classification (germline): Uncertain significance (1 of 4 stars; one submission).

Conditions:
Intellectual developmental disorder, X-linked 103. Also called: Intellectual disability, X-linked 103. Identifiers: MedGen C4310818, MONDO:0010508, OMIM 300982.

Submission:

Juno Genomics, Hangzhou Juno Genomics, Inc
Classification: Uncertain significance for Intellectual developmental disorder, X-linked 103. Review status: criteria provided, single submitter. Criteria: ACMG Guidelines, 2015. Collection method: clinical testing. Allele origin: germline. Affected: yes.
Comment: Absent from controls (or at extremely low frequency if recessive) in Genome Aggregation Database, Exome Sequencing Project, 1000 Genomes Project, or Exome Aggregation Consortium.;Multiple lines of computational evidence support a deleterious effect on the gene or gene product (conservation, evolutionary, splicing impact, etc).;De novo (both maternity and paternity confirmed) in a patient with the disease and no family history.

NM_030624.3(KLHL15):c.1000G>A (p.Gly334Arg)

Gene: KLHL15 (kelch like family member 15; minus strand). Cytogenetic location: Xp22.11.
Variant type: single nucleotide variant.
Coding change: c.1000G>A on transcript NM_030624.3 (MANE Select); coding-DNA position 1000, G replaced by A.
Protein change: p.Gly334Arg; replaces glycine 334 with arginine.
Molecular consequence: missense variant.
Genome position (GRCh38, 1-based): chrX:23,988,736, C>T on the plus strand (G>A on the coding strand, the complement: KLHL15 is on the minus strand). VCF-style: chrX-23988736-C-T. GRCh37 (hg19) VCF-style: chrX-24006853-C-T.
Other names: short protein forms G334R.
Identifiers: ClinVar variation 3382908 (VCV003382908.2).